The following is an entry in ClinVar:

NM_003126.4(SPTA1):c.4180del (p.Cys1394fs)

Gene: SPTA1 (spectrin alpha, erythrocytic 1; minus strand). Cytogenetic location: 1q23.1.
Variant type: Deletion.
Coding change: c.4180del on transcript NM_003126.4 (MANE Select); coding-DNA position 4180, one base deleted (T; older notation c.4180delT).
Protein change: p.Cys1394fs; shifts the reading frame from cysteine 1394.
Molecular consequence: frameshift variant.
Genome position (GRCh38, 1-based): chr1:158,645,202, A deleted on the plus strand (T on the coding strand, the reverse complement: SPTA1 is on the minus strand). VCF-style (leftmost placement, unchanged base first): chr1-158645201-CA-C. GRCh37 (hg19) VCF-style: chr1-158614991-CA-C.
Other names: p.Cys1394Alafs*25; short protein forms C1394fs.
Identifiers: ClinVar variation 1033567 (VCV001033567.6), dbSNP rs779174182, ClinGen allele CA1182810.
Genomic context (GRCh38, chr1:158,645,201, plus strand): 5'-AGAAACAGACTACTGAACCTGCTTAACAATTGGGAAATTTGCTGTACCTGCAACTCCAGG[CA>C]CTGGTCTAGGATCTTCTTGCGTTTTTCCCAAGCCTTCTCCAAATCATCTCTCTCTAGCTT-3'

ClinVar aggregate classification (germline): Pathogenic. Review status: criteria provided, multiple submitters, no conflicts (2 of 4 stars). 4 submissions from 4 submitters: Pathogenic (4). Last evaluated 2024-11-26.

Conditions:
Hereditary spherocytosis type 3. Also called: SPTA1-Related Spherocytosis; Spherocytosis type 3. Identifiers: Orphanet 822, MedGen C2678338, MONDO:0010053, OMIM 270970.

Allele frequency attached by ClinVar (database versions not stated): gnomAD exomes below 0.00001 and 0.00001; ExAC 0.00002; TOPMed 0.00002.

Submissions (4):

Mayo Clinic Laboratories, Mayo Clinic
Classification: Pathogenic. Last evaluated: 2024-11-26. Review status: criteria provided, single submitter. Criteria: ACMG Guidelines, 2015. Collection method: clinical testing. Allele origin: germline. Observed: 1 variant allele.
Comment: PM2_supporting, PS4_supporting, PVS1

Revvity Omics, Revvity
Classification: Pathogenic. Last evaluated: 2024-06-03. Review status: criteria provided, single submitter. Criteria: ACMG Guidelines, 2015. Collection method: clinical testing. Allele origin: germline.

Labcorp Genetics (formerly Invitae), Labcorp
Classification: Pathogenic. Last evaluated: 2023-06-12. Review status: criteria provided, single submitter. Criteria: Invitae Variant Classification Sherloc (09022015). Collection method: clinical testing. Allele origin: germline.
Comment: For these reasons, this variant has been classified as Pathogenic. ClinVar contains an entry for this variant (Variation ID: 1033567). This premature translational stop signal has been observed in individual(s) with SPTA1-related conditions (PMID: 31333484, 31854503). This variant is present in population databases (rs779174182, gnomAD 0.009%). This sequence change creates a premature translational stop signal (p.Cys1394Alafs*25) in the SPTA1 gene. It is expected to result in an absent or disrupted protein product. Loss-of-function variants in SPTA1 are known to be pathogenic (PMID: 9192783, 18815189, 31333484, 31723846, 32266426).

Baylor Genetics
Classification: Pathogenic for Hereditary spherocytosis type 3. Last evaluated: 2018-03-21. Review status: criteria provided, single submitter. Criteria: ACMG Guidelines, 2015. Collection method: clinical testing. Allele origin: unknown. Affected: yes.
Comment: This variant was determined to be pathogenic according to ACMG Guidelines, 2015 [PMID:25741868].

Literature cited by the submitters: PubMed 31333484 (cited by Mayo Clinic Laboratories, Mayo Clinic and Labcorp Genetics (formerly Invitae), Labcorp); PubMed 31854503 (cited by Mayo Clinic Laboratories, Mayo Clinic and Labcorp Genetics (formerly Invitae), Labcorp); PubMed 9192783 (cited by Labcorp Genetics (formerly Invitae), Labcorp); PubMed 18815189 (cited by Labcorp Genetics (formerly Invitae), Labcorp); PubMed 31723846 (cited by Labcorp Genetics (formerly Invitae), Labcorp); PubMed 32266426 (cited by Labcorp Genetics (formerly Invitae), Labcorp).